The following is an entry in ClinVar:

ClinVar aggregate classification (germline): Uncertain significance (1 of 4 stars; one submission).

Conditions:
Hereditary cancer-predisposing syndrome. Also called: Neoplastic Syndromes, Hereditary; Tumor predisposition; Hereditary Cancer Syndrome; Hereditary neoplastic syndrome. Identifiers: Orphanet 140162, MedGen C0027672, MeSH D009386, MONDO:0015356.

Submission:

Ambry Genetics
Classification: Uncertain significance for Hereditary cancer-predisposing syndrome. Last evaluated: 2025-10-06. Review status: criteria provided, single submitter. Criteria: Ambry Variant Classification Scheme 2023. Collection method: clinical testing. Allele origin: germline.
Comment: The p.T1097I variant (also known as c.3290C>T), located in coding exon 19 of the PTCH1 gene, results from a C to T substitution at nucleotide position 3290. The threonine at codon 1097 is replaced by isoleucine, an amino acid with similar properties. This amino acid position is conserved. In addition, this alteration is predicted to be deleterious by in silico analysis. Based on the available evidence, the clinical significance of this variant remains unclear.

NM_000264.5(PTCH1):c.3290C>T (p.Thr1097Ile)

Gene: PTCH1 (patched 1; minus strand). Cytogenetic location: 9q22.32.
Variant type: single nucleotide variant.
Coding change: c.3290C>T on transcript NM_000264.5 (MANE Select); coding-DNA position 3290, C replaced by T.
Protein change: p.Thr1097Ile; replaces threonine 1097 with isoleucine.
Molecular consequence: missense variant. On other transcripts: non-coding transcript variant (1).
Genome position (GRCh38, 1-based): chr9:95,456,292, G>A on the plus strand (C>T on the coding strand, the complement: PTCH1 is on the minus strand). VCF-style: chr9-95456292-G-A. GRCh37 (hg19) VCF-style: chr9-98218574-G-A.
Other names: c.3092C>T, p.Thr1031Ile (NM_001083602.3); c.3287C>T, p.Thr1096Ile (NM_001083603.3); c.2837C>T, p.Thr946Ile (NM_001083604.3, NM_001083605.3, NM_001083606.3 and 1 more transcripts); c.3134C>T, p.Thr1045Ile (NM_001354918.2); short protein forms T1031I, T1096I, T1097I, T1045I, T946I.
Identifiers: ClinVar variation 4675546 (VCV004675546.1).